The following is an entry in ClinVar:

NM_003801.4(GPAA1):c.720G>A (p.Glu240=)

Gene: GPAA1 (glycosylphosphatidylinositol anchor attachment 1; plus strand). Cytogenetic location: 8q24.3.
Variant type: single nucleotide variant.
Coding change: c.720G>A on transcript NM_003801.4 (MANE Select); coding-DNA position 720, G replaced by A.
Protein change: p.Glu240=; no amino-acid change (glutamic acid 240 retained).
Molecular consequence: synonymous variant.
Genome position (GRCh38, 1-based): chr8:144,084,237, G>A. VCF-style: chr8-144084237-G-A. GRCh37 (hg19) VCF-style: chr8-145139140-G-A.
Identifiers: ClinVar variation 1543571 (VCV001543571.30), dbSNP rs782748287, ClinGen allele CA4932912.

ClinVar aggregate classification (germline): Likely benign. Review status: criteria provided, multiple submitters, no conflicts (2 of 4 stars). 2 submissions from 2 submitters: Likely benign (2). Last evaluated 2024-10-15.

Allele frequency attached by ClinVar (database versions not stated): gnomAD exomes 0.00001; TOPMed 0.00001; ExAC 0.00002.
gnomAD v4.1: 19 of 1,613,830 alleles (0.0012%); highest among the groups gnomAD compares: South Asian, 0.0099%; no homozygotes.

Submissions (2):

Labcorp Genetics (formerly Invitae), Labcorp
Classification: Likely benign. Last evaluated: 2024-10-15. Review status: criteria provided, single submitter. Criteria: Invitae Variant Classification Sherloc (09022015). Collection method: clinical testing. Allele origin: germline.

CeGaT Center for Human Genetics Tuebingen
Classification: Likely benign. Last evaluated: 2024-02-01. Review status: criteria provided, single submitter. Criteria: CeGaT Center For Human Genetics Tuebingen Variant Classification Criteria Version 2. Collection method: clinical testing. Allele origin: germline. Affected: yes. Observed: 1 variant allele.
Comment: GPAA1: BP4, BP7